The following is an entry in ClinVar:

NM_000843.4(GRM6):c.1292C>T (p.Pro431Leu)

Genes: GRM6 (glutamate metabotropic receptor 6; minus strand), ZNF454 (zinc finger protein 454; plus strand). Cytogenetic location: 5q35.3.
Variant type: single nucleotide variant.
Coding change: c.1292C>T on transcript NM_000843.4 (MANE Select); coding-DNA position 1292, C replaced by T.
Protein change: p.Pro431Leu; replaces proline 431 with leucine.
Molecular consequence: missense variant.
Genome position (GRCh38, 1-based): chr5:178,988,997, G>A on the plus strand (C>T on the coding strand, the complement: GRM6 is on the minus strand). VCF-style: chr5-178988997-G-A. GRCh37 (hg19) VCF-style: chr5-178415998-G-A.
Other names: short protein forms P431L.
Identifiers: ClinVar variation 842210 (VCV000842210.11), dbSNP rs148831419, ClinGen allele CA3594135.
Genomic context (GRCh38, chr5:178,988,997, plus strand): 5'-TTGAAGCGGACAGCTCGAATGTACTGCAGAAGCATCCGCCCATCAGTGGGTTCCATCGCC[G>A]GGCACAGGCCTGTGTGCCCAGGGCAGAGCGCCTGGTGCATGCTGTGGAGGGCGTGGGCAA-3'
Protein context (NP_000834.2, residues 421-441): ALCPGHTGLC[Pro431Leu]AMEPTDGRML

ClinVar aggregate classification (germline): Uncertain significance. Review status: criteria provided, multiple submitters, no conflicts (2 of 4 stars). 4 submissions from 4 submitters: Uncertain significance (4). Last evaluated 2025-11-24.

Conditions:
Inborn genetic diseases. Identifiers: MedGen C0950123, MeSH D030342.

Allele frequency attached by ClinVar (database versions not stated): 1000 Genomes Project 30x 0.00016; 1000 Genomes Project 0.00020; gnomAD exomes 0.00026; ExAC 0.00027; gnomAD 0.00033 and 0.00034; TOPMed 0.00035; ESP Exome Variant Server 0.00038.
gnomAD v4.1: 722 of 1,614,008 alleles (0.045%); highest among the groups gnomAD compares: Non-Finnish European, 0.056%; no homozygotes.

Submissions (4):

Ambry Genetics
Classification: Uncertain significance for Inborn genetic diseases. Last evaluated: 2025-11-24. Review status: criteria provided, single submitter. Criteria: Ambry Variant Classification Scheme 2023. Collection method: clinical testing. Allele origin: germline.

GeneDx
Classification: Uncertain significance. Last evaluated: 2025-06-27. Review status: criteria provided, single submitter. Criteria: GeneDx Variant Classification Process June 2021. Collection method: clinical testing. Allele origin: germline. Affected: yes.
Comment: In silico analysis supports that this missense variant has a deleterious effect on protein structure/function; Has not been previously published as pathogenic or benign to our knowledge

Labcorp Genetics (formerly Invitae), Labcorp
Classification: Uncertain significance. Last evaluated: 2025-01-13. Review status: criteria provided, single submitter. Criteria: Invitae Variant Classification Sherloc (09022015). Collection method: clinical testing. Allele origin: germline.
Comment: This sequence change replaces proline, which is neutral and non-polar, with leucine, which is neutral and non-polar, at codon 431 of the GRM6 protein (p.Pro431Leu). This variant is present in population databases (rs148831419, gnomAD 0.04%). This variant has not been reported in the literature in individuals affected with GRM6-related conditions. ClinVar contains an entry for this variant (Variation ID: 842210). Invitae Evidence Modeling of protein sequence and biophysical properties (such as structural, functional, and spatial information, amino acid conservation, physicochemical variation, residue mobility, and thermodynamic stability) indicates that this missense variant is not expected to disrupt GRM6 protein function with a negative predictive value of 95%. In summary, the available evidence is currently insufficient to determine the role of this variant in disease. Therefore, it has been classified as a Variant of Uncertain Significance.

Blueprint Genetics
Classification: Uncertain significance. Last evaluated: 2024-10-04. Review status: criteria provided, single submitter. Criteria: ACMG Guidelines, 2015. Collection method: clinical testing. Allele origin: germline.